The following is an entry in ClinVar:

NM_001378452.1(ITPR1):c.6181-5C>T

Gene: ITPR1 (inositol 1,4,5-trisphosphate receptor type 1; plus strand). Cytogenetic location: 3p26.1.
Variant type: single nucleotide variant.
Coding change: c.6181-5C>T on transcript NM_001378452.1 (MANE Select); 5 bases into the intron before coding-DNA position 6181, C replaced by T.
Molecular consequence: intron variant.
Genome position (GRCh38, 1-based): chr3:4,777,259, C>T. VCF-style: chr3-4777259-C-T. GRCh37 (hg19) VCF-style: chr3-4818943-C-T.
Other names: c.6037-5C>T (NM_001099952.4); c.6136-5C>T (NM_001168272.2); c.5992-5C>T (NM_002222.7).
Identifiers: ClinVar variation 1658721 (VCV001658721.9), dbSNP rs748996100, ClinGen allele CA2232534.

ClinVar aggregate classification (germline): Conflicting classifications of pathogenicity. Review status: criteria provided, conflicting classifications (1 of 4 stars). 2 submissions from 2 submitters: Uncertain significance (1); Likely benign (1). Last evaluated 2026-08-01.

Allele frequency attached by ClinVar (database versions not stated): gnomAD exomes 0.00001; TOPMed 0.00001; gnomAD 0.00003 and 0.00004; ExAC 0.00004.
gnomAD v4.1: 16 of 1,573,272 alleles (0.001%); highest among the groups gnomAD compares: Admixed American, 0.007%; no homozygotes.

Submissions (2):

CeGaT Center for Human Genetics Tuebingen
Classification: Uncertain significance. Last evaluated: 2026-08-01. Review status: criteria provided, single submitter. Criteria: CeGaT Center For Human Genetics Tuebingen Variant Classification Criteria Version 2. Collection method: clinical testing. Allele origin: germline. Affected: yes. Observed: 1 variant allele.
Comment: ITPR1: PM2, BP4

Labcorp Genetics (formerly Invitae), Labcorp
Classification: Likely benign. Last evaluated: 2025-12-28. Review status: criteria provided, single submitter. Criteria: Invitae Variant Classification Sherloc (09022015). Collection method: clinical testing. Allele origin: germline.